The following is an entry in ClinVar:

ClinVar aggregate classification (germline): Pathogenic (1 of 4 stars; one submission).

Conditions:
Mucopolysaccharidosis, MPS-II (MPS2). Also called: Hunter Syndrome; IDURONATE 2-SULFATASE DEFICIENCY; Mucopolysaccharidosis Type II; Mucopolysaccharidosis type 2; Attenuated MPS (subtype; formerly known as mild MPS II); Severe MPS II. Identifiers: Orphanet 580, Orphanet 79388, MedGen C0026705, MONDO:0010674, OMIM 309900.

Submission:

Laboratory of Diagnosis and Therapy of Lysosomal Disorders, University of Padova
Classification: Pathogenic for Mucopolysaccharidosis, MPS-II. Last evaluated: 2024-06-07. Review status: criteria provided, single submitter. Criteria: ACMG Guidelines, 2015. Collection method: literature only. Allele origin: germline. Affected: yes. Observed: 1 variant allele.
Comment: Null variant (PVS1_VeryStrong), Absent from controls (or at low frequency) in gnomAD database (PM2_Moderate), Patient’s phenotype or family history highly specific for the disease (PP4_Strong)

Classification method: ACMG Guidelines [PMID:25741868] with modifications

Literature cited by the submitters: PubMed 36945845.

NM_000202.8(IDS):c.433del (p.His145fs)

Genes: IDS (iduronate 2-sulfatase; minus strand), LOC106050102 (IDS recombination region; plus strand). Cytogenetic location: Xq28.
Variant type: Deletion.
Coding change: c.433del on transcript NM_000202.8 (MANE Select); coding-DNA position 433, one base deleted (C; older notation c.433delC).
Protein change: p.His145fs; shifts the reading frame from histidine 145.
Molecular consequence: frameshift variant. On other transcripts: non-coding transcript variant (1).
Genome position (GRCh38, 1-based): chrX:149,501,023, G deleted on the plus strand (C on the coding strand, the reverse complement: IDS is on the minus strand); the first of 2 consecutive G bases (chrX:149,501,023-149,501,024); deleting either gives the same sequence. VCF-style (leftmost placement, unchanged base first): chrX-149501022-TG-T. GRCh37 (hg19) VCF-style: chrX-148582553-TG-T.
Other names: c.163del, p.His55fs (NM_001166550.4); c.433del, p.His145fs (NM_006123.5); short protein forms H145fs, H55fs.
Identifiers: ClinVar variation 3255725 (VCV003255725.2).
Genomic context (GRCh38, chrX:149,501,022, plus strand): 5'-TACTTCTCAGAGGAAGGATGATAAGGTGGAAAAGACCAGCTATACGGAGAATCATCGGTA[TG>T]GTTAGAAGATATCCCTTGGAAAAAAAAAAAGGTTGTTAAAACATGATGAGTCTTTCAACA-3'